The following is an entry in ClinVar:

NM_000038.6(APC):c.596C>A (p.Ala199Glu)

Gene: APC (APC regulator of Wnt signaling pathway; plus strand). Cytogenetic location: 5q22.2.
Variant type: single nucleotide variant.
Coding change: c.596C>A on transcript NM_000038.6 (MANE Select); coding-DNA position 596, C replaced by A.
Protein change: p.Ala199Glu; replaces alanine 199 with glutamic acid.
Molecular consequence: missense variant. On other transcripts: 5 prime UTR variant (4), non-coding transcript variant (2).
Genome position (GRCh38, 1-based): chr5:112,780,854, C>A. VCF-style: chr5-112780854-C-A. GRCh37 (hg19) VCF-style: chr5-112116551-C-A.
Other names: c.596C>A, p.Ala199Glu (NM_001127510.3, NM_001354895.2, NM_001354896.2 and 16 more transcripts); c.626C>A, p.Ala209Glu (NM_001127511.3, NM_001354897.2, NM_001354902.2 and 1 more transcripts); c.521C>A, p.Ala174Glu (NM_001354898.2, NM_001354904.2, NM_001407451.1); c.419C>A, p.Ala140Glu (NM_001354900.2, NM_001354901.2, NM_001354905.2 and 1 more transcripts); c.-440C>A (NM_001354906.2, NM_001407470.1, NM_001407471.1 and 1 more transcripts); short protein forms A140E, A174E, A199E, A209E.
Identifiers: ClinVar variation 4861455 (VCV004861455.1).

ClinVar aggregate classification (germline): Uncertain significance (1 of 4 stars; one submission).

Conditions:
Hereditary cancer-predisposing syndrome. Also called: Neoplastic Syndromes, Hereditary; Tumor predisposition; Hereditary Cancer Syndrome; Hereditary neoplastic syndrome. Identifiers: Orphanet 140162, MedGen C0027672, MeSH D009386, MONDO:0015356.

Submission:

Ambry Genetics
Classification: Uncertain significance for Hereditary cancer-predisposing syndrome. Last evaluated: 2026-04-30. Review status: criteria provided, single submitter. Criteria: Ambry Variant Classification Scheme 2023. Collection method: clinical testing. Allele origin: germline.
Comment: The p.A199E variant (also known as c.596C>A), located in coding exon 5 of the APC gene, results from a C to A substitution at nucleotide position 596. The alanine at codon 199 is replaced by glutamic acid, an amino acid with dissimilar properties. This amino acid position is conserved. In addition, in silico predictors for this gene do not accurately predict pathogenicity. Based on the available evidence, the clinical significance of this variant remains unclear.